The following is an entry in ClinVar:

NM_019892.6(INPP5E):c.657C>T (p.Tyr219=)

Gene: INPP5E (inositol polyphosphate-5-phosphatase E; minus strand). Cytogenetic location: 9q34.3.
Variant type: single nucleotide variant.
Coding change: c.657C>T on transcript NM_019892.6 (MANE Select); coding-DNA position 657, C replaced by T.
Protein change: p.Tyr219=; no amino-acid change (tyrosine 219 retained).
Molecular consequence: synonymous variant.
Genome position (GRCh38, 1-based): chr9:136,438,763, G>A on the plus strand (C>T on the coding strand, the complement: INPP5E is on the minus strand). VCF-style: chr9-136438763-G-A. GRCh37 (hg19) VCF-style: chr9-139333215-G-A.
Other names: c.657C>T, p.Tyr219= (NM_001318502.2).
Identifiers: ClinVar variation 4996280 (VCV004996280.1).

ClinVar aggregate classification (germline): Likely benign (1 of 4 stars; one submission).

Conditions:
INPP5E-related disorder. Also called: INPP5E-related condition.

gnomAD v4.1: 3 of 1,611,902 alleles (0.00019%); highest among the groups gnomAD compares: Admixed American, 0.0033%; no homozygotes.

Submission:

PreventionGenetics, part of Exact Sciences
Classification: Likely benign for INPP5E-related condition. Last evaluated: 2025-12-31. Review status: criteria provided, single submitter. Criteria: ACMG Guidelines, 2015. Collection method: clinical testing. Allele origin: germline.
Comment: This variant is classified as likely benign based on ACMG/AMP sequence variant interpretation guidelines (Richards et al. 2015 PMID: 25741868, with internal and published modifications).